The following is an entry in ClinVar:

NM_000388.4(CASR):c.64C>A (p.Pro22Thr)

Gene: CASR (calcium sensing receptor; plus strand). Cytogenetic location: 3q21.1.
Variant type: single nucleotide variant.
Coding change: c.64C>A on transcript NM_000388.4 (MANE Select); coding-DNA position 64, C replaced by A.
Protein change: p.Pro22Thr; replaces proline 22 with threonine.
Molecular consequence: missense variant.
Genome position (GRCh38, 1-based): chr3:122,254,253, C>A. VCF-style: chr3-122254253-C-A. GRCh37 (hg19) VCF-style: chr3-121973100-C-A.
Other names: c.64C>A, p.Pro22Thr (NM_001178065.2); short protein forms P22T.
Identifiers: ClinVar variation 4818996 (VCV004818996.1).
Genomic context (GRCh38, chr3:122,254,253, plus strand): 5'-GCATTTTATAGCTGCTGCTGGGTCCTCTTGGCACTCACCTGGCACACCTCTGCCTACGGG[C>A]CAGACCAGCGAGCCCAAAAGAAGGGGGACATTATCCTTGGGGGGCTCTTTCCTATTCATT-3'
Protein context (NP_000379.3, residues 12-32): ALTWHTSAYG[Pro22Thr]DQRAQKKGDI

ClinVar aggregate classification (germline): Uncertain significance (1 of 4 stars; one submission).

Conditions:
Neonatal severe primary hyperparathyroidism. Identifiers: Orphanet 417, MedGen C1832615, MONDO:0009397, OMIM 239200.

Submission:

Victorian Clinical Genetics Services, Murdoch Childrens Research Institute
Classification: Uncertain significance for Neonatal severe primary hyperparathyroidism. Last evaluated: 2026-01-20. Review status: criteria provided, single submitter. Criteria: ACMG Guidelines, 2015. Collection method: clinical testing. Allele origin: germline. Affected: yes.
Comment: This variant is classified as VUS-3B. Evidence in support of pathogenic classification: Variant is absent from gnomAD (v2, v3 and v4). Additional information: Variant is predicted to result in a missense amino acid change from Pro to Thr; This variant is heterozygous; This gene is associated with both recessive and dominant disease (OMIM); Alternative amino acid change(s) at the same position are present in gnomAD (highest allele count: v4: 1 heterozygote(s), 0 homozygote(s)); This variant has no previous evidence of pathogenicity; No published evidence of segregation with disease has been identified for this variant; No published functional evidence has been identified for this variant; Another missense variant(s) comparable to the one identified in this case has inconclusive previous evidence for pathogenicity. p.(Pro22Ser) has been classified as a VUS by a clinical laboratory in ClinVar; Variant is not located in an established domain, motif, hotspot or informative constraint region; Missense variant with inconclusive in silico prediction and/or uninformative conservation; Loss of function and gain of function are known mechanisms of disease in this gene. The former is associated with hypocalciuric hypercalcaemia, type I (MIM#145980) and autosomal recessive neonatal hyperparathyroidism (MIM#239200), while the latter is associated with hypocalcaemia, autosomal dominant (MIM#601198) (ClinGen, PMIDs: 22422767, 26646938). Dominant negative has also been suggested as the mechanism for autosomal dominant neonatal hyperparathyroidism (MIM#239200) and severe cases of hypocalciuric hypercalcaemia, type I (MIM#145980) (ClinGen); Variants in this gene are known to have variable expressivity. Intrafamilial variability has been reported (PMID: 11807402); Inheritance information for this variant is not currently available in this individual.

Literature cited by the submitters: PubMed 11807402; PubMed 22422767; PubMed 26646938.